The following is an entry in ClinVar:

NM_031308.4(EPPK1):c.490G>A (p.Ala164Thr)

Gene: EPPK1 (epiplakin 1; minus strand). Cytogenetic location: 8q24.3.
Variant type: single nucleotide variant.
Coding change: c.490G>A on transcript NM_031308.4 (MANE Select); coding-DNA position 490, G replaced by A.
Protein change: p.Ala164Thr; replaces alanine 164 with threonine.
Molecular consequence: missense variant.
Genome position (GRCh38, 1-based): chr8:143,872,764, C>T on the plus strand (G>A on the coding strand, the complement: EPPK1 is on the minus strand). VCF-style: chr8-143872764-C-T. GRCh37 (hg19) VCF-style: chr8-144946932-C-T.
Other names: short protein forms A164T.
Identifiers: ClinVar variation 3054753 (VCV003054753.2), dbSNP rs200950566, ClinGen allele CA4923607.
Genomic context (GRCh38, chr8:143,872,764, plus strand): 5'-TCTCCCGGTCCAGGAGGCCCTGGTGGCAGGCTGGCTCAGGGGCCACGAGCACTCCCTGGG[C>T]GGGGTCCACCAGGCCCCCAGTGGCCAGTTGGACCTCCAGCCAGCTCTGCCCCAGGGCCCT-3'
Protein context (NP_112598.3, residues 154-174): QLATGGLVDP[Ala164Thr]QGVLVAPEPA

ClinVar aggregate classification (germline): Likely benign (0 of 4 stars; one submission).

Conditions:
EPPK1-related disorder. Also called: EPPK1-related condition.

Allele frequency attached by ClinVar (database versions not stated): gnomAD exomes 0.00018; ExAC 0.00046; 1000 Genomes Project 30x 0.00125; ESP Exome Variant Server 0.00135; 1000 Genomes Project 0.00140; gnomAD 0.00149; TOPMed 0.00166.
gnomAD v4.1: 492 of 1,584,436 alleles (0.031%); highest among the groups gnomAD compares: African/African-American, 0.49%; 3 homozygotes.

Submission:

PreventionGenetics, part of Exact Sciences
Classification: Likely benign for EPPK1-related condition. Last evaluated: 2023-04-05. Review status: no assertion criteria provided. Collection method: clinical testing. Allele origin: germline.
Comment: This variant is classified as likely benign based on ACMG/AMP sequence variant interpretation guidelines (Richards et al. 2015 PMID: 25741868, with internal and published modifications).